The following is an entry in ClinVar:

NM_003105.6(SORL1):c.854A>G (p.Gln285Arg)

Gene: SORL1 (sortilin related receptor 1; plus strand). Cytogenetic location: 11q24.1.
Variant type: single nucleotide variant.
Coding change: c.854A>G on transcript NM_003105.6 (MANE Select); coding-DNA position 854, A replaced by G.
Protein change: p.Gln285Arg; replaces glutamine 285 with arginine.
Molecular consequence: missense variant.
Genome position (GRCh38, 1-based): chr11:121,496,964, A>G. VCF-style: chr11-121496964-A-G. GRCh37 (hg19) VCF-style: chr11-121367673-A-G.
Other names: short protein forms Q285R.
Identifiers: ClinVar variation 3687431 (VCV003687431.2).

ClinVar aggregate classification (germline): Uncertain significance (1 of 4 stars; one submission).

Submission:

Labcorp Genetics (formerly Invitae), Labcorp
Classification: Uncertain significance. Last evaluated: 2024-09-19. Review status: criteria provided, single submitter. Criteria: Invitae Variant Classification Sherloc (09022015). Collection method: clinical testing. Allele origin: germline.
Comment: This sequence change replaces glutamine, which is neutral and polar, with arginine, which is basic and polar, at codon 285 of the SORL1 protein (p.Gln285Arg). This variant is not present in population databases (gnomAD no frequency). This variant has not been reported in the literature in individuals affected with SORL1-related conditions. An algorithm developed to predict the effect of missense changes on protein structure and function (PolyPhen-2) suggests that this variant is likely to be disruptive. In summary, the available evidence is currently insufficient to determine the role of this variant in disease. Therefore, it has been classified as a Variant of Uncertain Significance.